The following is an entry in ClinVar:

NM_006270.5(RRAS):c.88C>G (p.His30Asp)

Gene: RRAS (RAS related; minus strand). Cytogenetic location: 19q13.33.
Variant type: single nucleotide variant.
Coding change: c.88C>G on transcript NM_006270.5 (MANE Select); coding-DNA position 88, C replaced by G.
Protein change: p.His30Asp; replaces histidine 30 with aspartic acid.
Molecular consequence: missense variant.
Genome position (GRCh38, 1-based): chr19:49,640,011, G>C on the plus strand (C>G on the coding strand, the complement: RRAS is on the minus strand). VCF-style: chr19-49640011-G-C. GRCh37 (hg19) VCF-style: chr19-50143268-G-C.
Other names: short protein forms H30D.
Identifiers: ClinVar variation 1765039 (VCV001765039.2), dbSNP rs2513709603, ClinGen allele CA406849731.

ClinVar aggregate classification (germline): Uncertain significance (1 of 4 stars; one submission).

Submission:

Ambry Genetics
Classification: Uncertain significance. Last evaluated: 2022-08-27. Review status: criteria provided, single submitter. Criteria: Ambry Variant Classification Scheme 2023. Collection method: clinical testing. Allele origin: germline.
Comment: The p.H30D variant (also known as c.88C>G), located in coding exon 1 of the RRAS gene, results from a C to G substitution at nucleotide position 88. The histidine at codon 30 is replaced by aspartic acid, an amino acid with similar properties. This amino acid position is conserved. In addition, the in silico prediction for this alteration is inconclusive. Since supporting evidence is limited at this time, the clinical significance of this alteration remains unclear.